The following is an entry in ClinVar:

NM_001887.4(CRYBB1):c.601_604del (p.Tyr201fs)

Genes: CRYBA4 (crystallin beta A4; plus strand), CRYBB1 (crystallin beta B1; minus strand). Cytogenetic location: 22q12.1.
Variant type: Deletion.
Coding change: c.601_604del on transcript NM_001887.4 (MANE Select); coding-DNA positions 601 to 604, 4 bases deleted (TACC; older notation c.601_604delTACC).
Protein change: p.Tyr201fs; shifts the reading frame from tyrosine 201.
Molecular consequence: frameshift variant.
Genome position (GRCh38, 1-based): chr22:26,599,645-26,599,648, GGTA deleted on the plus strand (TACC on the coding strand, the reverse complement: CRYBB1 is on the minus strand); deleting any 4 consecutive bases within chr22:26,599,645-26,599,649 gives the same sequence; the c. name uses the placement nearest the transcript's 3' end. VCF-style (leftmost placement, unchanged base first): chr22-26599644-CGGTA-C. GRCh37 (hg19) VCF-style: chr22-26995608-CGGTA-C.
Other names: short protein forms Y201fs.
Identifiers: ClinVar variation 4085351 (VCV004085351.8).

ClinVar aggregate classification (germline): Likely pathogenic (1 of 4 stars; one submission).

Submission:

CeGaT Center for Human Genetics Tuebingen
Classification: Likely pathogenic. Last evaluated: 2025-07-01. Review status: criteria provided, single submitter. Criteria: CeGaT Center For Human Genetics Tuebingen Variant Classification Criteria Version 2. Collection method: clinical testing. Allele origin: germline. Affected: yes. Observed: 1 variant allele.
Comment: CRYBB1: PVS1:Strong, PM1, PM2